The following is an entry in ClinVar:

NM_170707.4(LMNA):c.1156A>G (p.Arg386Gly)

Gene: LMNA (lamin A/C; plus strand). Cytogenetic location: 1q22.
Variant type: single nucleotide variant.
Coding change: c.1156A>G on transcript NM_170707.4 (MANE Select); coding-DNA position 1156, A replaced by G.
Protein change: p.Arg386Gly; replaces arginine 386 with glycine.
Molecular consequence: missense variant.
Genome position (GRCh38, 1-based): chr1:156,136,120, A>G. VCF-style: chr1-156136120-A-G. GRCh37 (hg19) VCF-style: chr1-156105911-A-G.
Other names: c.820A>G, p.Arg274Gly (NM_001257374.3); c.913A>G, p.Arg305Gly (NM_001282624.2); c.1156A>G, p.Arg386Gly (NM_001282625.2, NM_001282626.2, NM_005572.4 and 1 more transcripts); short protein forms R274G, R386G, R305G.
Identifiers: ClinVar variation 647241 (VCV000647241.10), dbSNP rs1572363397, ClinGen allele CA342820683.

ClinVar aggregate classification (germline): Pathogenic (1 of 4 stars; one submission).

Conditions:
Charcot-Marie-Tooth disease type 2. Also called: Charcot-Marie-Tooth type 2. Identifiers: Orphanet 64746, MedGen C0270914, MONDO:0018993.

Submission:

Labcorp Genetics (formerly Invitae), Labcorp
Classification: Pathogenic for Charcot-Marie-Tooth disease type 2. Last evaluated: 2021-05-17. Review status: criteria provided, single submitter. Criteria: Invitae Variant Classification Sherloc (09022015). Collection method: clinical testing. Allele origin: germline.
Comment: For these reasons, this variant has been classified as Pathogenic. Algorithms developed to predict the effect of sequence changes on RNA splicing suggest that this variant may disrupt the consensus splice site, but this prediction has not been confirmed by published transcriptional studies. This variant has been reported to affect LMNA protein function (PMID: 23427149). This variant is not present in population databases (ExAC no frequency). This sequence change replaces arginine with glycine at codon 386 of the LMNA protein (p.Arg386Gly). The arginine residue is highly conserved and there is a moderate physicochemical difference between arginine and glycine.

Literature cited by the submitters: PubMed 23427149.